The following is an entry in ClinVar:

NM_080680.3(COL11A2):c.2817G>C (p.Met939Ile)

Gene: COL11A2 (collagen type XI alpha 2 chain; minus strand). Cytogenetic location: 6p21.32.
Variant type: single nucleotide variant.
Coding change: c.2817G>C on transcript NM_080680.3 (MANE Select); coding-DNA position 2817, G replaced by C.
Protein change: p.Met939Ile; replaces methionine 939 with isoleucine.
Molecular consequence: missense variant.
Genome position (GRCh38, 1-based): chr6:33,172,611, C>G on the plus strand (G>C on the coding strand, the complement: COL11A2 is on the minus strand). VCF-style: chr6-33172611-C-G. GRCh37 (hg19) VCF-style: chr6-33140388-C-G.
Other names: c.2496G>C, p.Met832Ile (NM_080679.3); c.2559G>C, p.Met853Ile (NM_080681.3); short protein forms M832I, M853I, M939I.
Identifiers: ClinVar variation 1012047 (VCV001012047.9), dbSNP rs536659371, ClinGen allele CA3750716.

ClinVar aggregate classification (germline): Uncertain significance (1 of 4 stars; one submission).

Allele frequency attached by ClinVar (database versions not stated): TOPMed 0.00001.
gnomAD v4.1: 6 of 1,612,718 alleles (0.00037%); highest among the groups gnomAD compares: South Asian, 0.0033%; no homozygotes.

Submission:

Labcorp Genetics (formerly Invitae), Labcorp
Classification: Uncertain significance. Last evaluated: 2021-04-27. Review status: criteria provided, single submitter. Criteria: Invitae Variant Classification Sherloc (09022015). Collection method: clinical testing. Allele origin: germline.
Comment: This sequence change replaces methionine with isoleucine at codon 939 of the COL11A2 protein (p.Met939Ile). The methionine residue is highly conserved and there is a small physicochemical difference between methionine and isoleucine. This variant is present in population databases (rs536659371, ExAC 0.006%). In summary, the available evidence is currently insufficient to determine the role of this variant in disease. Therefore, it has been classified as a Variant of Uncertain Significance. Advanced modeling of protein sequence and biophysical properties (such as structural, functional, and spatial information, amino acid conservation, physicochemical variation, residue mobility, and thermodynamic stability) performed at Invitae indicates that this missense variant is not expected to disrupt COL11A2 protein function. This variant has not been reported in the literature in individuals with COL11A2-related conditions.